The following is an entry in ClinVar:

ClinVar aggregate classification (germline): other (0 of 4 stars; one submission).

Conditions:
Familial colorectal cancer. Identifiers: MedGen CN280943, MONDO:0023113. Disease mechanism: loss of function.

Allele frequency attached by ClinVar (database versions not stated): TOPMed 0.00113; 1000 Genomes Project 0.00619; 1000 Genomes Project 30x 0.00640; gnomAD 0.00056 and 0.00097.
gnomAD v4.1: 146 of 152,232 alleles (0.096%); highest among the groups gnomAD compares: East Asian, 2.5%; 4 homozygotes.

Submission:

Systems Biology Platform Zhejiang California International NanoSystems Institute
Classification: other for Familial colorectal cancer. Review status: no assertion criteria provided. Collection method: not provided. Allele origin: unknown.
ClinVar note: Converted during submission from cancer to other.

NM_000038.6(APC):c.730-4269T>A

Gene: APC (APC regulator of WNT signaling pathway; plus strand). Cytogenetic location: 5q22.2.
Variant type: single nucleotide variant.
Coding change: c.730-4269T>A on transcript NM_000038.6 (MANE Select); 4269 bases into the intron before coding-DNA position 730, T replaced by A.
Molecular consequence: intron variant.
Genome position (GRCh38, 1-based): chr5:112,797,010, T>A. VCF-style: chr5-112797010-T-A. GRCh37 (hg19) VCF-style: chr5-112132707-T-A.
Other names: c.730-4269T>A (NM_001354895.2, NM_001127510.3, NM_001354896.2 and 1 more transcripts); c.760-4269T>A (NM_001354897.2, NM_001354902.2); c.676-4269T>A (NM_001127511.3); c.655-4269T>A (NM_001354898.2, NM_001354904.2); c.-306-4269T>A (NM_001354906.2); c.646-4269T>A (NM_001354899.2); c.553-4269T>A (NM_001354900.2, NM_001354901.2, NM_001354905.2).
Identifiers: ClinVar variation 83021 (VCV000083021.2), dbSNP rs76293460, ClinGen allele CA013597.